The following is an entry in ClinVar:

ClinVar aggregate classification (germline): Conflicting classifications of pathogenicity. Review status: criteria provided, conflicting classifications (1 of 4 stars). 5 submissions from 5 submitters: Uncertain significance (1); Likely benign (4). Last evaluated 2025-06-25.

Conditions:
Breast-ovarian cancer, familial, susceptibility to, 5 (BROVCA5). Identifiers: MedGen C5830615, MONDO:0957530, OMIM 620442.
Hereditary cancer-predisposing syndrome. Also called: Hereditary neoplastic syndrome; Neoplastic Syndromes, Hereditary; Hereditary Cancer Syndrome; Tumor predisposition. Identifiers: Orphanet 140162, MedGen C0027672, MeSH D009386, MONDO:0015356.
Familial cancer of breast. Also called: BREAST CANCER, FAMILIAL; Hereditary breast cancer; hereditary breast carcinoma. Identifiers: Orphanet 227535, MedGen C0346153, MONDO:0016419, OMIM 114480. Disease mechanism: loss of function.

Allele frequency attached by ClinVar (database versions not stated): gnomAD exomes below 0.00001; TOPMed below 0.00001; gnomAD 0.00001.
gnomAD v4.1: 6 of 1,614,070 alleles (0.00037%); highest among the groups gnomAD compares: Non-Finnish European, 0.00051%; no homozygotes.

Submissions (5):

Labcorp Genetics (formerly Invitae), Labcorp
Classification: Likely benign for Familial cancer of breast. Last evaluated: 2025-06-25. Review status: criteria provided, single submitter. Criteria: Invitae Variant Classification Sherloc (09022015). Collection method: clinical testing. Allele origin: germline.

Quest Diagnostics Nichols Institute San Juan Capistrano
Classification: Likely benign. Last evaluated: 2025-03-05. Review status: criteria provided, single submitter. Criteria: Quest Diagnostics criteria. Collection method: clinical testing. Allele origin: unknown.

Myriad Genetics, Inc.
Classification: Likely benign for Familial cancer of breast. Last evaluated: 2025-01-17. Review status: criteria provided, single submitter. Criteria: Myriad Autosomal Dominant, Autosomal Recessive and X-Linked Classification Criteria (2023). Collection method: clinical testing. Allele origin: unknown.
Comment: This variant is considered likely benign. This variant is intronic and is not expected to impact mRNA splicing.

Department of Pathology and Laboratory Medicine, Sinai Health System
Classification: Uncertain significance for Breast-ovarian cancer, familial, susceptibility to, 5. Last evaluated: 2023-12-01. Review status: criteria provided, single submitter. Criteria: ACMG Guidelines, 2015. Collection method: clinical testing. Allele origin: germline. Affected: yes.

Color Diagnostics, LLC DBA Color Health
Classification: Likely benign for Hereditary cancer-predisposing syndrome. Last evaluated: 2019-09-09. Review status: criteria provided, single submitter. Criteria: ACMG Guidelines, 2015. Collection method: clinical testing. Allele origin: germline.

NM_024675.4(PALB2):c.2748+8G>A

Gene: PALB2 (partner and localizer of BRCA2; minus strand). Cytogenetic location: 16p12.2.
Variant type: single nucleotide variant.
Coding change: c.2748+8G>A on transcript NM_024675.4 (MANE Select); 8 bases into the intron after coding-DNA position 2748, G replaced by A.
Molecular consequence: intron variant.
Genome position (GRCh38, 1-based): chr16:23,626,228, C>T on the plus strand (G>A on the coding strand, the complement: PALB2 is on the minus strand). VCF-style: chr16-23626228-C-T. GRCh37 (hg19) VCF-style: chr16-23637549-C-T.
Identifiers: ClinVar variation 530258 (VCV000530258.18), dbSNP rs1188895680, ClinGen allele CA621661861.